The following is an entry in ClinVar:

NM_012431.3(SEMA3E):c.651C>T (p.Asp217=)

Gene: SEMA3E (semaphorin 3E; minus strand). Cytogenetic location: 7q21.11.
Variant type: single nucleotide variant.
Coding change: c.651C>T on transcript NM_012431.3 (MANE Select); coding-DNA position 651, C replaced by T.
Protein change: p.Asp217=; no amino-acid change (aspartic acid 217 retained).
Molecular consequence: synonymous variant.
Genome position (GRCh38, 1-based): chr7:83,408,387, G>A on the plus strand (C>T on the coding strand, the complement: SEMA3E is on the minus strand). VCF-style: chr7-83408387-G-A. GRCh37 (hg19) VCF-style: chr7-83037703-G-A.
Other names: c.651C>T (NM_012431.2); c.471C>T, p.Asp157= (NM_001178129.2).
Identifiers: ClinVar variation 1605260 (VCV001605260.11), dbSNP rs766680673, ClinGen allele CA4322264.

ClinVar aggregate classification (germline): Likely benign. Review status: criteria provided, multiple submitters, no conflicts (2 of 4 stars). 4 submissions from 4 submitters: Likely benign (3). 1 of the submissions does not count toward it. Last evaluated 2025-02-24.

Conditions:
Hypogonadotropic hypogonadism 7 with or without anosmia (HH7). Also called: HYPOGONADOTROPIC HYPOGONADISM 7 WITHOUT ANOSMIA; GNRHR-Related GnRH Deficiency. Identifiers: Orphanet 432, MedGen C0342384, MONDO:0007794, OMIM 146110.
CHARGE syndrome (CHARGE). Also called: Coloboma, heart anomaly, choanal atresia, retardation, genital and ear anomalies; CHARGE association; Hall-Hittner syndrome; Hittner Hirsch Kreh syndrome; CHARGE ASSOCIATION--COLOBOMA, HEART ANOMALY, CHOANAL ATRESIA, RETARDATION, GENITAL AND EAR ANOMALIES. Identifiers: Orphanet 138, MedGen C0265354, MONDO:0008965.
SEMA3E-related disorder. Also called: SEMA3E-related condition.

Allele frequency attached by ClinVar (database versions not stated): gnomAD exomes 0.00001 and 0.00003; ExAC 0.00002; gnomAD 0.00008 and 0.00009; TOPMed 0.00011.
gnomAD v4.1: 33 of 1,613,590 alleles (0.002%); highest among the groups gnomAD compares: African/African-American, 0.032%; no homozygotes.

Submissions (4):

Labcorp Genetics (formerly Invitae), Labcorp
Classification: Likely benign for CHARGE syndrome. Last evaluated: 2025-02-24. Review status: criteria provided, single submitter. Criteria: Invitae Variant Classification Sherloc (09022015). Collection method: clinical testing. Allele origin: germline.

Blueprint Genetics
Classification: Likely benign. Last evaluated: 2024-09-22. Review status: criteria provided, single submitter. Criteria: ACMG Guidelines, 2015. Collection method: clinical testing. Allele origin: germline.

Fulgent Genetics
Classification: Likely benign for Hypogonadotropic hypogonadism 7 with or without anosmia; CHD7-related CHARGE syndrome. Last evaluated: 2022-04-21. Review status: criteria provided, single submitter. Criteria: ACMG Guidelines, 2015. Collection method: clinical testing. Allele origin: unknown.

PreventionGenetics, part of Exact Sciences
Classification: Likely benign for SEMA3E-related condition. Last evaluated: 2023-02-24. Review status: no assertion criteria provided. Collection method: clinical testing. Allele origin: germline. Not counted in ClinVar's aggregate classification.
Comment: This variant is classified as likely benign based on ACMG/AMP sequence variant interpretation guidelines (Richards et al. 2015 PMID: 25741868, with internal and published modifications).